The following is an entry in ClinVar:

NM_006904.7(PRKDC):c.572A>T (p.Asn191Ile)

Gene: PRKDC (protein kinase, DNA-activated, catalytic subunit; minus strand). Cytogenetic location: 8q11.21.
Variant type: single nucleotide variant.
Coding change: c.572A>T on transcript NM_006904.7 (MANE Select); coding-DNA position 572, A replaced by T.
Protein change: p.Asn191Ile; replaces asparagine 191 with isoleucine.
Molecular consequence: missense variant.
Genome position (GRCh38, 1-based): chr8:47,953,856, T>A on the plus strand (A>T on the coding strand, the complement: PRKDC is on the minus strand). VCF-style: chr8-47953856-T-A. GRCh37 (hg19) VCF-style: chr8-48866416-T-A.
Other names: c.572A>T, p.Asn191Ile (NM_001081640.2); short protein forms N191I.
Identifiers: ClinVar variation 1023150 (VCV001023150.2), dbSNP rs2090663217, ClinGen allele CA371138799.
Genomic context (GRCh38, chr8:47,953,856, plus strand): 5'-GTTCATCATACCTGGGTCTTAAGTTCACCCAGAAAAGCGCGGAACAGGTTTTCTGCATTA[T>A]TTATCATCTCACTAGGATGAACTTCACCCAATAATCCTAGGAGCTCATATACTTTTTCTA-3'
Protein context (NP_008835.5, residues 181-201): LGEVHPSEMI[Asn191Ile]NAENLFRAFL

ClinVar aggregate classification (germline): Uncertain significance (1 of 4 stars; one submission).

Conditions:
Severe combined immunodeficiency due to DNA-PKcs deficiency. Also called: IMMUNODEFICIENCY 26 WITH NEUROLOGIC ABNORMALITIES; Immunodeficiency 26 with or without neurologic abnormalities. Identifiers: Orphanet 317425, MedGen C4014833, MONDO:0014423, OMIM 615966.

Submission:

Labcorp Genetics (formerly Invitae), Labcorp
Classification: Uncertain significance for Severe combined immunodeficiency due to DNA-PKcs deficiency. Last evaluated: 2020-10-07. Review status: criteria provided, single submitter. Criteria: Invitae Variant Classification Sherloc (09022015). Collection method: clinical testing. Allele origin: germline.
Comment: This sequence change replaces asparagine with isoleucine at codon 191 of the PRKDC protein (p.Asn191Ile). The asparagine residue is moderately conserved and there is a large physicochemical difference between asparagine and isoleucine. This variant is not present in population databases (ExAC no frequency). This variant has not been reported in the literature in individuals with PRKDC-related conditions. Experimental studies and prediction algorithms are not available or were not evaluated, and the functional significance of this variant is currently unknown. In summary, the available evidence is currently insufficient to determine the role of this variant in disease. Therefore, it has been classified as a Variant of Uncertain Significance.